The following is an entry in ClinVar:

NM_000548.5(TSC2):c.5069-10G>C

Gene: TSC2 (TSC complex subunit 2; plus strand). Cytogenetic location: 16p13.3.
Variant type: single nucleotide variant.
Coding change: c.5069-10G>C on transcript NM_000548.5 (MANE Select); 10 bases into the intron before coding-DNA position 5069, G replaced by C.
Molecular consequence: intron variant.
Genome position (GRCh38, 1-based): chr16:2,088,038, G>C. VCF-style: chr16-2088038-G-C. GRCh37 (hg19) VCF-style: chr16-2138039-G-C.
Other names: c.5000-10G>C (NM_001114382.3); c.4940-10G>C (NM_021055.3, NM_001370405.1); c.4871-10G>C (NM_001363528.2); c.4937-10G>C (NM_001370404.1); c.4868-10G>C (NM_001077183.3); c.4760-10G>C (NM_001318827.2); c.4337-10G>C (NM_001318831.2); c.4724-10G>C (NM_001318829.2); and 1 more.
Identifiers: ClinVar variation 762810 (VCV000762810.11), dbSNP rs1409032179, ClinGen allele CA718904493.
Genomic context (GRCh38, chr16:2,088,038, plus strand): 5'-AGGGCCGGGTGGGGCCCTGCAGTGTGGCGCCAAGAGCCCTGGGCCTGGCGTGACCACCAA[G>C]TCTCCCCAGACATGGAGGGCCTTGTGGACACCAGCGTGGCCAAGATCGTGTCTGACCGCA-3'

ClinVar aggregate classification (germline): Conflicting classifications of pathogenicity. Review status: criteria provided, conflicting classifications (1 of 4 stars). 3 submissions from 3 submitters: Uncertain significance (1); Likely benign (2). Last evaluated 2025-06-05.

Conditions:
Tuberous sclerosis 2 (TSC2). Identifiers: Orphanet 805, MedGen C1860707, MONDO:0013199, OMIM 613254.

Allele frequency attached by ClinVar (database versions not stated): gnomAD exomes below 0.00001; TOPMed 0.00001.
gnomAD v4.1: 1 of 1,612,884 alleles (0.000062%); highest among the groups gnomAD compares: African/African-American, 0.0013%; no homozygotes.

Submissions (3):

Myriad Genetics, Inc.
Classification: Likely benign for Tuberous sclerosis 2. Last evaluated: 2025-06-05. Review status: criteria provided, single submitter. Criteria: Myriad Autosomal Dominant, Autosomal Recessive and X-Linked Classification Criteria (2023). Collection method: clinical testing. Allele origin: unknown.
Comment: This variant is considered likely benign. This variant is intronic and is not expected to impact mRNA splicing.

Quest Diagnostics Nichols Institute San Juan Capistrano
Classification: Uncertain significance. Last evaluated: 2024-03-29. Review status: criteria provided, single submitter. Criteria: Quest Diagnostics criteria. Collection method: clinical testing. Allele origin: unknown.

Labcorp Genetics (formerly Invitae), Labcorp
Classification: Likely benign for Tuberous sclerosis 2. Last evaluated: 2022-09-30. Review status: criteria provided, single submitter. Criteria: Invitae Variant Classification Sherloc (09022015). Collection method: clinical testing. Allele origin: germline.